The following is an entry in ClinVar:

ClinVar aggregate classification (germline): Uncertain significance (1 of 4 stars; one submission).

Conditions:
Facioscapulohumeral muscular dystrophy 2 (FSHD2). Also called: MUSCULAR DYSTROPHY, FACIOSCAPULOHUMERAL, TYPE 1B; FACIOSCAPULOHUMERAL MUSCULAR DYSTROPHY 2, DIGENIC; FSHD2, DIGENIC. Identifiers: Orphanet 269, MedGen C1834671, MONDO:0008031, OMIM 158901.

gnomAD v4.1: 1 of 1,401,702 alleles (0.000071%); highest among the groups gnomAD compares: African/African-American, 0.0015%; no homozygotes.

Submission:

Labcorp Genetics (formerly Invitae), Labcorp
Classification: Uncertain significance for Facioscapulohumeral muscular dystrophy 2. Last evaluated: 2024-07-12. Review status: criteria provided, single submitter. Criteria: Invitae Variant Classification Sherloc (09022015). Collection method: clinical testing. Allele origin: germline.
Comment: This sequence change replaces aspartic acid, which is acidic and polar, with glutamic acid, which is acidic and polar, at codon 5 of the SMCHD1 protein (p.Asp5Glu). This variant is not present in population databases (gnomAD no frequency). This variant has not been reported in the literature in individuals affected with SMCHD1-related conditions. Experimental studies and prediction algorithms are not available or were not evaluated, and the functional significance of this variant is currently unknown. In summary, the available evidence is currently insufficient to determine the role of this variant in disease. Therefore, it has been classified as a Variant of Uncertain Significance.

NM_015295.3(SMCHD1):c.15C>G (p.Asp5Glu)

Gene: SMCHD1 (structural maintenance of chromosomes flexible hinge domain containing 1; plus strand). Cytogenetic location: 18p11.32.
Variant type: single nucleotide variant.
Coding change: c.15C>G on transcript NM_015295.3 (MANE Select); coding-DNA position 15, C replaced by G.
Protein change: p.Asp5Glu; replaces aspartic acid 5 with glutamic acid.
Molecular consequence: missense variant.
Genome position (GRCh38, 1-based): chr18:2,656,090, C>G. VCF-style: chr18-2656090-C-G. GRCh37 (hg19) VCF-style: chr18-2656089-C-G.
Other names: short protein forms D5E.
Identifiers: ClinVar variation 3675961 (VCV003675961.2).